The following is an entry in ClinVar:

NM_133433.4(NIPBL):c.8231_8242del (p.Tyr2744_Ser2747del)

Gene: NIPBL (NIPBL cohesin loading factor; plus strand). Cytogenetic location: 5p13.2.
Variant type: Deletion.
Coding change: c.8231_8242del on transcript NM_133433.4 (MANE Select); coding-DNA positions 8231 to 8242, 12 bases deleted (ACAGTGGCTCCT).
Protein change: p.Tyr2744_Ser2747del.
Molecular consequence: inframe deletion. On other transcripts: 3 prime UTR variant (1).
Genome position (GRCh38, 1-based): chr5:37,064,708-37,064,719, ACAGTGGCTCCT deleted; deleting any 12 consecutive bases within chr5:37,064,701-37,064,719 gives the same sequence; the c. name uses the placement nearest the transcript's 3' end. VCF-style (leftmost placement, unchanged base first): chr5-37064700-AGGCTCCTACAGT-A. GRCh37 (hg19) VCF-style: chr5-37064802-AGGCTCCTACAGT-A.
Other names: c.*685_*696del (NM_015384.5).
Identifiers: ClinVar variation 3347209 (VCV003347209.1).

ClinVar aggregate classification (germline): Likely pathogenic (0 of 4 stars; one submission).

Conditions:
NIPBL-related disorder. Also called: NIPBL-related condition.

Submission:

PreventionGenetics, part of Exact Sciences
Classification: Likely pathogenic for NIPBL-related condition. Last evaluated: 2024-05-16. Review status: no assertion criteria provided. Collection method: clinical testing. Allele origin: germline.
Comment: The NIPBL c.8231_8242del12 variant is predicted to result in an in-frame deletion (p.Tyr2744_Ser2747del). To our knowledge, this variant has not been reported in the literature or in a large population database, indicating this variant is rare. This variant is interpreted as likely pathogenic.